The following is an entry in ClinVar:

NM_025074.7(FRAS1):c.4623C>A (p.Tyr1541Ter)

Gene: FRAS1 (Fraser extracellular matrix complex subunit 1; plus strand). Cytogenetic location: 4q21.21.
Variant type: single nucleotide variant.
Coding change: c.4623C>A on transcript NM_025074.7 (MANE Select); coding-DNA position 4623, C replaced by A.
Protein change: p.Tyr1541Ter; replaces tyrosine 1541 with a stop codon.
Molecular consequence: nonsense.
Genome position (GRCh38, 1-based): chr4:78,421,945, C>A. VCF-style: chr4-78421945-C-A. GRCh37 (hg19) VCF-style: chr4-79343099-C-A.
Other names: c.4623C>A, p.Tyr1541Ter (NM_001166133.2); short protein forms Y1541*.
Identifiers: ClinVar variation 2501258 (VCV002501258.1), dbSNP rs2477113430, ClinGen allele CA357381393.

ClinVar aggregate classification (germline): Likely pathogenic (1 of 4 stars; one submission).

Conditions:
Fraser syndrome 1 (FRASRS1). Also called: CRYPTOPHTHALMOS WITH OTHER MALFORMATIONS. Identifiers: Orphanet 2052, MedGen C4551480, MONDO:0054737, OMIM 219000.

Submission:

Women's Health and Genetics/Laboratory Corporation of America, LabCorp
Classification: Likely pathogenic for Fraser syndrome 1. Last evaluated: 2023-03-30. Review status: criteria provided, single submitter. Criteria: LabCorp Variant Classification Summary - May 2015. Collection method: clinical testing. Allele origin: germline.
Comment: Variant summary: FRAS1 c.4623C>A (p.Tyr1541X) results in a premature termination codon, predicted to cause a truncation of the encoded protein or absence of the protein due to nonsense mediated decay, which are commonly known mechanisms for disease. Truncations downstream of this position have been classified as pathogenic by our laboratory and in ClinVar. The variant was absent in 248842 control chromosomes (gnomAD). To our knowledge, no occurrence of c.4623C>A in individuals affected with Cryptophthalmos Syndrome and no experimental evidence demonstrating its impact on protein function have been reported. No clinical diagnostic laboratories have submitted clinical-significance assessments for this variant to ClinVar after 2014. Based on the evidence outlined above, the variant was classified as likely pathogenic.